The following is an entry in ClinVar:

NM_001851.6(COL9A1):c.127C>T (p.Leu43Phe)

Gene: COL9A1 (collagen type IX alpha 1 chain; minus strand). Cytogenetic location: 6q13.
Variant type: single nucleotide variant.
Coding change: c.127C>T on transcript NM_001851.6 (MANE Select); coding-DNA position 127, C replaced by T.
Protein change: p.Leu43Phe; replaces leucine 43 with phenylalanine.
Molecular consequence: missense variant.
Genome position (GRCh38, 1-based): chr6:70,300,348, G>A on the plus strand (C>T on the coding strand, the complement: COL9A1 is on the minus strand). VCF-style: chr6-70300348-G-A. GRCh37 (hg19) VCF-style: chr6-71010051-G-A.
Other names: c.127C>T, p.Leu43Phe (NM_001377291.1); c.127C>T (NM_001851.4); short protein forms L43F.
Identifiers: ClinVar variation 1006793 (VCV001006793.7), dbSNP rs372737493, ClinGen allele CA3882917.

ClinVar aggregate classification (germline): Uncertain significance. Review status: criteria provided, multiple submitters, no conflicts (2 of 4 stars). 2 submissions from 2 submitters: Uncertain significance (2). Last evaluated 2024-12-19.

Allele frequency attached by ClinVar (database versions not stated): TOPMed 0.00001; gnomAD 0.00002; gnomAD exomes 0.00002; ExAC 0.00002; ESP Exome Variant Server 0.00008.
gnomAD v4.1: 34 of 1,613,418 alleles (0.0021%); highest among the groups gnomAD compares: Non-Finnish European, 0.0026%; no homozygotes.

Submissions (2):

GeneDx
Classification: Uncertain significance. Last evaluated: 2024-12-19. Review status: criteria provided, single submitter. Criteria: GeneDx Variant Classification Process June 2021. Collection method: clinical testing. Allele origin: germline. Affected: yes.
Comment: Not observed at significant frequency in large population cohorts (gnomAD); In silico analysis indicates that this missense variant does not alter protein structure/function; Has not been previously published as pathogenic or benign to our knowledge

Labcorp Genetics (formerly Invitae), Labcorp
Classification: Uncertain significance. Last evaluated: 2022-07-18. Review status: criteria provided, single submitter. Criteria: Invitae Variant Classification Sherloc (09022015). Collection method: clinical testing. Allele origin: germline.
Comment: This sequence change replaces leucine, which is neutral and non-polar, with phenylalanine, which is neutral and non-polar, at codon 43 of the COL9A1 protein (p.Leu43Phe). This variant is present in population databases (rs372737493, gnomAD 0.007%). This variant has not been reported in the literature in individuals affected with COL9A1-related conditions. ClinVar contains an entry for this variant (Variation ID: 1006793). Advanced modeling of protein sequence and biophysical properties (such as structural, functional, and spatial information, amino acid conservation, physicochemical variation, residue mobility, and thermodynamic stability) performed at Invitae indicates that this missense variant is not expected to disrupt COL9A1 protein function. In summary, the available evidence is currently insufficient to determine the role of this variant in disease. Therefore, it has been classified as a Variant of Uncertain Significance.